The following is an entry in ClinVar:

NM_001040108.2(MLH3):c.3601G>A (p.Ala1201Thr)

Gene: MLH3 (mutL homolog 3; minus strand). Cytogenetic location: 14q24.3.
Variant type: single nucleotide variant.
Coding change: c.3601G>A on transcript NM_001040108.2 (MANE Select); coding-DNA position 3601, G replaced by A.
Protein change: p.Ala1201Thr; replaces alanine 1201 with threonine.
Molecular consequence: missense variant.
Genome position (GRCh38, 1-based): chr14:75,038,382, C>T on the plus strand (G>A on the coding strand, the complement: MLH3 is on the minus strand). VCF-style: chr14-75038382-C-T. GRCh37 (hg19) VCF-style: chr14-75505085-C-T.
Other names: c.3601G>A, p.Ala1201Thr (NM_014381.3); c.3601G>A (NM_001040108.1); short protein forms A1201T.
Identifiers: ClinVar variation 1377658 (VCV001377658.10), dbSNP rs144875666, ClinGen allele CA7275408.

ClinVar aggregate classification (germline): Uncertain significance. Review status: criteria provided, multiple submitters, no conflicts (2 of 4 stars). 2 submissions from 2 submitters: Uncertain significance (2). Last evaluated 2024-12-08.

Conditions:
Colorectal cancer, hereditary nonpolyposis, type 7. Identifiers: Orphanet 144, MedGen C1858380, MONDO:0013725, OMIM 614385.

Allele frequency attached by ClinVar (database versions not stated): gnomAD exomes 0.00001; ExAC 0.00002.
gnomAD v4.1: 22 of 1,613,768 alleles (0.0014%); highest among the groups gnomAD compares: Non-Finnish European, 0.0019%; no homozygotes.

Submissions (2):

Ambry Genetics
Classification: Uncertain significance. Last evaluated: 2024-12-08. Review status: criteria provided, single submitter. Criteria: Ambry Variant Classification Scheme 2023. Collection method: clinical testing. Allele origin: germline.
Comment: The p.A1201T variant (also known as c.3601G>A), located in coding exon 5 of the MLH3 gene, results from a G to A substitution at nucleotide position 3601. The alanine at codon 1201 is replaced by threonine, an amino acid with similar properties. This amino acid position is conserved. In addition, the in silico prediction for this alteration is inconclusive. Since supporting evidence is limited at this time, the clinical significance of this alteration remains unclear.

Labcorp Genetics (formerly Invitae), Labcorp
Classification: Uncertain significance for Colorectal cancer, hereditary nonpolyposis, type 7. Last evaluated: 2022-12-24. Review status: criteria provided, single submitter. Criteria: Invitae Variant Classification Sherloc (09022015). Collection method: clinical testing. Allele origin: germline.
Comment: This sequence change replaces alanine, which is neutral and non-polar, with threonine, which is neutral and polar, at codon 1201 of the MLH3 protein (p.Ala1201Thr). This variant is present in population databases (rs144875666, gnomAD 0.003%). This variant has not been reported in the literature in individuals affected with MLH3-related conditions. ClinVar contains an entry for this variant (Variation ID: 1377658). Algorithms developed to predict the effect of missense changes on protein structure and function are either unavailable or do not agree on the potential impact of this missense change (SIFT: "Deleterious"; PolyPhen-2: "Probably Damaging"; Align-GVGD: "Class C0"). In summary, the available evidence is currently insufficient to determine the role of this variant in disease. Therefore, it has been classified as a Variant of Uncertain Significance.